The following is an entry in ClinVar:

NM_002439.5(MSH3):c.2486C>T (p.Ala829Val)

Gene: MSH3 (mutS homolog 3; plus strand). Cytogenetic location: 5q14.1.
Variant type: single nucleotide variant.
Coding change: c.2486C>T on transcript NM_002439.5 (MANE Select); coding-DNA position 2486, C replaced by T.
Protein change: p.Ala829Val; replaces alanine 829 with valine.
Molecular consequence: missense variant.
Genome position (GRCh38, 1-based): chr5:80,787,615, C>T. VCF-style: chr5-80787615-C-T. GRCh37 (hg19) VCF-style: chr5-80083434-C-T.
Other names: short protein forms A829V.
Identifiers: ClinVar variation 1791990 (VCV001791990.2), dbSNP rs2546784341, ClinGen allele CA360283212.

ClinVar aggregate classification (germline): Uncertain significance (1 of 4 stars; one submission).

Conditions:
Hereditary cancer-predisposing syndrome. Also called: Hereditary Cancer Syndrome; Hereditary neoplastic syndrome; Tumor predisposition; Neoplastic Syndromes, Hereditary. Identifiers: Orphanet 140162, MedGen C0027672, MeSH D009386, MONDO:0015356.

Submission:

Ambry Genetics
Classification: Uncertain significance for Hereditary cancer-predisposing syndrome. Last evaluated: 2022-04-21. Review status: criteria provided, single submitter. Criteria: Ambry Variant Classification Scheme 2023. Collection method: clinical testing. Allele origin: germline.
Comment: The p.A829V variant (also known as c.2486C>T), located in coding exon 18 of the MSH3 gene, results from a C to T substitution at nucleotide position 2486. The alanine at codon 829 is replaced by valine, an amino acid with similar properties. This amino acid position is conserved. In addition, this alteration is predicted to be deleterious by in silico analysis. Since supporting evidence is limited at this time, the clinical significance of this alteration remains unclear.